The following is an entry in ClinVar:

NM_006765.4(TUSC3):c.535G>A (p.Ala179Thr)

Gene: TUSC3 (tumor suppressor candidate 3; plus strand). Cytogenetic location: 8p22.
Variant type: single nucleotide variant.
Coding change: c.535G>A on transcript NM_006765.4 (MANE Select); coding-DNA position 535, G replaced by A.
Protein change: p.Ala179Thr; replaces alanine 179 with threonine.
Molecular consequence: missense variant. On other transcripts: non-coding transcript variant (5).
Genome position (GRCh38, 1-based): chr8:15,659,615, G>A. VCF-style: chr8-15659615-G-A. GRCh37 (hg19) VCF-style: chr8-15517124-G-A.
Other names: c.367G>A, p.Ala123Thr (NM_001413671.1, NM_001413672.1, NM_001413669.1); c.535G>A, p.Ala179Thr (NM_001413673.1, NM_001413674.1, NM_001413675.1 and 16 more transcripts); c.103G>A, p.Ala35Thr (NM_001413677.1); c.148G>A, p.Ala50Thr (NM_001413678.1); c.475G>A, p.Ala159Thr (NM_001413670.1); c.529G>A, p.Ala177Thr (NM_001413690.1); short protein forms A159T, A123T, A35T, A177T, A179T, A50T.
Identifiers: ClinVar variation 3664615 (VCV003664615.1).

ClinVar aggregate classification (germline): Uncertain significance (1 of 4 stars; one submission).

Conditions:
Intellectual developmental disorder, autosomal recessive 7. Also called: Intellectual disability, autosomal recessive 7. Identifiers: Orphanet 88616, MedGen C1970197, MONDO:0012615, OMIM 611093.

gnomAD v4.1: 32 of 1,613,308 alleles (0.002%); highest among the groups gnomAD compares: Middle Eastern, 0.017%; no homozygotes.

Submission:

Labcorp Genetics (formerly Invitae), Labcorp
Classification: Uncertain significance for Intellectual developmental disorder, autosomal recessive 7. Last evaluated: 2024-09-06. Review status: criteria provided, single submitter. Criteria: Invitae Variant Classification Sherloc (09022015). Collection method: clinical testing. Allele origin: germline.
Comment: This sequence change replaces alanine, which is neutral and non-polar, with threonine, which is neutral and polar, at codon 179 of the TUSC3 protein (p.Ala179Thr). This variant is present in population databases (rs199834913, gnomAD 0.006%). This variant has not been reported in the literature in individuals affected with TUSC3-related conditions. An algorithm developed to predict the effect of missense changes on protein structure and function (PolyPhen-2) suggests that this variant is likely to be disruptive. In summary, the available evidence is currently insufficient to determine the role of this variant in disease. Therefore, it has been classified as a Variant of Uncertain Significance.